The following is an entry in ClinVar:

ClinVar aggregate classification (germline): Uncertain significance (1 of 4 stars; one submission).

Submission:

GeneDx
Classification: Uncertain significance. Last evaluated: 2025-07-31. Review status: criteria provided, single submitter. Criteria: GeneDx Variant Classification Process June 2021. Collection method: clinical testing. Allele origin: germline. Affected: yes.
Comment: Not observed at significant frequency in large population cohorts (gnomAD); In silico analysis suggests that this missense variant does not alter protein structure/function; Has not been previously published as pathogenic or benign to our knowledge

NM_001184880.2(PCDH19):c.316A>G (p.Met106Val)

Gene: PCDH19 (protocadherin 19; minus strand). Cytogenetic location: Xq22.1.
Variant type: single nucleotide variant.
Coding change: c.316A>G on transcript NM_001184880.2 (MANE Select); coding-DNA position 316, A replaced by G.
Protein change: p.Met106Val; replaces methionine 106 with valine.
Molecular consequence: missense variant.
Genome position (GRCh38, 1-based): chrX:100,408,282, T>C on the plus strand (A>G on the coding strand, the complement: PCDH19 is on the minus strand). VCF-style: chrX-100408282-T-C. GRCh37 (hg19) VCF-style: chrX-99663280-T-C.
Other names: c.316A>G, p.Met106Val (NM_001105243.2, NM_020766.3); short protein forms M106V.
Identifiers: ClinVar variation 4689794 (VCV004689794.1).
Genomic context (GRCh38, chrX:100,408,282, plus strand): 5'-CATTGTCGTTCAGGTCCTTGATCTCCACCTTTATCACGCAGATTTCCATTGAGCTGGACA[T>C]GACCTCGAGCGAGATGATGCACTTGGGGCTCTGGCGGCACAGCAGATCACGGTCAATCTT-3'
Protein context (NP_001171809.1, residues 96-116): SPKCIISLEV[Met106Val]SSSMEICVIK